The following is an entry in ClinVar:

NM_001039141.3(TRIOBP):c.3655G>A (p.Gly1219Arg)

Gene: TRIOBP (TRIO and F-actin binding protein; plus strand). Cytogenetic location: 22q13.1.
Variant type: single nucleotide variant.
Coding change: c.3655G>A on transcript NM_001039141.3 (MANE Select); coding-DNA position 3655, G replaced by A.
Protein change: p.Gly1219Arg; replaces glycine 1219 with arginine.
Molecular consequence: missense variant.
Genome position (GRCh38, 1-based): chr22:37,726,211, G>A. VCF-style: chr22-37726211-G-A. GRCh37 (hg19) VCF-style: chr22-38122218-G-A.
Other names: c.3655G>A (NM_001039141.2); short protein forms G1219R.
Identifiers: ClinVar variation 2972342 (VCV002972342.4), dbSNP rs373220839, ClinGen allele CA10224173.

ClinVar aggregate classification (germline): Uncertain significance. Review status: criteria provided, multiple submitters, no conflicts (2 of 4 stars). 3 submissions from 3 submitters: Uncertain significance (3). Last evaluated 2024-05-24.

Allele frequency attached by ClinVar (database versions not stated): ExAC 0.00003; gnomAD 0.00003; TOPMed 0.00003; ESP Exome Variant Server 0.00008.
gnomAD v4.1: 62 of 1,601,050 alleles (0.0039%); highest among the groups gnomAD compares: Middle Eastern, 0.017%; no homozygotes.

Submissions (3):

GeneDx
Classification: Uncertain significance. Last evaluated: 2024-05-24. Review status: criteria provided, single submitter. Criteria: GeneDx Variant Classification Process June 2021. Collection method: clinical testing. Allele origin: germline. Affected: yes.
Comment: In silico analysis supports that this missense variant has a deleterious effect on protein structure/function; Has not been previously published as pathogenic or benign to our knowledge

Labcorp Genetics (formerly Invitae), Labcorp
Classification: Uncertain significance. Last evaluated: 2023-09-20. Review status: criteria provided, single submitter. Criteria: Invitae Variant Classification Sherloc (09022015). Collection method: clinical testing. Allele origin: germline.
Comment: In summary, the available evidence is currently insufficient to determine the role of this variant in disease. Therefore, it has been classified as a Variant of Uncertain Significance. This sequence change replaces glycine, which is neutral and non-polar, with arginine, which is basic and polar, at codon 1219 of the TRIOBP protein (p.Gly1219Arg). This variant is present in population databases (rs373220839, gnomAD 0.02%). This variant has not been reported in the literature in individuals affected with TRIOBP-related conditions. An algorithm developed to predict the effect of missense changes on protein structure and function (PolyPhen-2) suggests that this variant is likely to be disruptive.

Blueprint Genetics
Classification: Uncertain significance. Last evaluated: 2022-11-17. Review status: criteria provided, single submitter. Criteria: ACMG Guidelines, 2015. Collection method: clinical testing. Allele origin: germline.